The following is an entry in ClinVar:

NM_001142800.2(EYS):c.8122_8125delinsG (p.Ser2708_Phe2709delinsVal)

Gene: EYS (EGF-like photoreceptor maintenance factor; minus strand). Cytogenetic location: 6q12.
Variant type: Indel.
Coding change: c.8122_8125delinsG on transcript NM_001142800.2 (MANE Select); coding-DNA positions 8122 to 8125, TCTT replaced by G.
Protein change: p.Ser2708_Phe2709delinsVal.
Molecular consequence: inframe indel.
Genome position (GRCh38, 1-based): chr6:63,726,627-63,726,630, AAGA replaced by C on the plus strand (TCTT replaced by G on the coding strand, the reverse complement: EYS is on the minus strand). VCF-style: chr6-63726627-AAGA-C. GRCh37 (hg19) VCF-style: chr6-64436520-AAGA-C.
Other names: c.8122_8125delTCTTinsG (NM_001142800.1); c.8185_8188delinsG, p.Ser2729_Phe2730delinsVal (NM_001292009.2).
Identifiers: ClinVar variation 866087 (VCV000866087.3), dbSNP rs961817248, ClinGen allele CA916082860.

ClinVar aggregate classification (germline): Likely pathogenic. Review status: criteria provided, single submitter (1 of 4 stars). 2 submissions from 2 submitters: Likely pathogenic (1). 1 of the submissions does not count toward it. Last evaluated 2025-11-15.

Conditions:
Retinitis pigmentosa 25 (RP25). Identifiers: Orphanet 791, MedGen C1864446, MONDO:0011272, OMIM 602772.
Retinal dystrophy. Also called: Inherited retinal dystrophy. Identifiers: Orphanet 71862, MedGen C0854723, MeSH D058499, MONDO:0019118, HP:0000556.

Submissions (2):

Natera, Inc.
Classification: Likely pathogenic for Retinitis pigmentosa type 25. Last evaluated: 2025-11-15. Review status: criteria provided, single submitter. Criteria: Natera Variant Classification Schema (03/2026). Collection method: clinical testing. Allele origin: germline.
Comment: The c.8122_8125delTCTTinsG variant in EYS is a deletion-insertion (delins) variant predicted to replace one or more nucleotides with a different sequence. This variant is rare in the general population with a frequency below the threshold expected for the associated phenotype(s). This variant has been observed in one or more individuals affected with the associated recessive disease, as either homozygous or compound heterozygous with a second variant (PMID: 38219857, 33749171). This variant results in a change to the protein length while preserving reading frame, which may disrupt normal protein structure or function. Given the available evidence, this variant is classified as Likely Pathogenic.

Institute of Human Genetics, Univ. Regensburg, Univ. Regensburg
Classification: Uncertain significance for Retinal dystrophy. Last evaluated: 2022-01-01. Review status: no assertion criteria provided. Criteria: ACMG Guidelines, 2015. Collection method: clinical testing. Allele origin: germline. Affected: yes. Not counted in ClinVar's aggregate classification.

Literature cited by the submitters: PubMed 38219857 (cited by Natera, Inc.); PubMed 33749171 (cited by Natera, Inc.).